The following is an entry in ClinVar:

NC_000017.10:g.(?_59760657)_(59861805_?)del

Gene: BRIP1 (BRCA1 interacting DNA helicase 1; minus strand). Cytogenetic location: 17q23.2.
Variant type: Deletion.
Identifiers: ClinVar variation 2426996 (VCV002426996.4).

ClinVar aggregate classification (germline): Pathogenic (1 of 4 stars; one submission).

Conditions:
Familial cancer of breast. Also called: BREAST CANCER, FAMILIAL; hereditary breast carcinoma; Hereditary breast cancer. Identifiers: Orphanet 227535, MedGen C0346153, MONDO:0016419, OMIM 114480. Disease mechanism: loss of function.
Fanconi anemia complementation group J. Also called: BRIP1-Related Fanconi Anemia. Identifiers: Orphanet 84, MedGen C1836860, MONDO:0012187, OMIM 609054.

Submission:

Labcorp Genetics (formerly Invitae), Labcorp
Classification: Pathogenic for Familial cancer of breast; Fanconi anemia complementation group J. Last evaluated: 2022-04-13. Review status: criteria provided, single submitter. Criteria: Invitae Variant Classification Sherloc (09022015). Collection method: clinical testing. Allele origin: germline.
Comment: This variant has not been reported in the literature in individuals affected with BRIP1-related conditions. The region of the BRIP1 gene that includes exon(s) 17-20 has been determined to be clinically significant (PMID: 11865300, 21398687, 23320739, 28300276). Therefore, deletions that encompass that region are likely to be disease-causing. For these reasons, this variant has been classified as Pathogenic. This variant is a gross deletion of the genomic region encompassing exon(s) 11-20 of the BRIP1 gene, which includes the termination codon. This deletion extends beyond the assayed region for this gene and therefore may encompass additional genes. While this deletion is not anticipated to lead to nonsense mediated decay, it is expected to alter mRNA translation or result in a truncated protein product.

Literature cited by the submitters: PubMed 11865300; PubMed 21398687; PubMed 23320739; PubMed 28300276.